The following is an entry in ClinVar:

NM_000548.5(TSC2):c.5389_5393dup (p.Val1800fs)

Gene: TSC2 (TSC complex subunit 2; plus strand). Cytogenetic location: 16p13.3.
Variant type: Duplication.
Coding change: c.5389_5393dup on transcript NM_000548.5 (MANE Select); coding-DNA positions 5389 to 5393, 5 bases duplicated (ATCTC; older notation c.5389_5393dupATCTC).
Protein change: p.Val1800fs; shifts the reading frame from valine 1800.
Molecular consequence: frameshift variant. On other transcripts: non-coding transcript variant (5).
Genome position (GRCh38, 1-based): chr16:2,088,575-2,088,579, ATCTC duplicated; duplicating any 5 consecutive bases within chr16:2,088,572-2,088,579 gives the same sequence; the c. name uses the placement nearest the transcript's 3' end. VCF-style (leftmost placement, unchanged base first): chr16-2088571-C-CCTCAT. GRCh37 (hg19) VCF-style: chr16-2138572-C-CCTCAT.
Other names: c.5044_5048dup, p.Val1685fs (NM_001318829.2); c.4657_4661dup, p.Val1556fs (NM_001318831.2); c.5221_5225dup, p.Val1744fs (NM_001318832.2); c.5191_5195dup, p.Val1734fs (NM_001363528.2); c.5257_5261dup, p.Val1756fs (NM_001370404.1); c.5248_5252dup, p.Val1753fs (NM_001370405.1); c.5386_5390dup, p.Val1799fs (NM_001406663.1); c.5317_5321dup, p.Val1776fs (NM_001406664.1); and 28 more; short protein forms V1199fs, V1285fs, V1577fs, V1600fs, V1684fs, V1714fs, V1728fs, V1744fs.
Identifiers: ClinVar variation 4826471 (VCV004826471.1).

ClinVar aggregate classification (germline): Uncertain significance (1 of 4 stars; one submission).

Conditions:
Hereditary cancer-predisposing syndrome. Also called: Neoplastic Syndromes, Hereditary; Tumor predisposition; Hereditary Cancer Syndrome; Hereditary neoplastic syndrome. Identifiers: Orphanet 140162, MedGen C0027672, MeSH D009386, MONDO:0015356.

Submission:

Ambry Genetics
Classification: Uncertain significance for Hereditary cancer-predisposing syndrome. Last evaluated: 2026-03-10. Review status: criteria provided, single submitter. Criteria: Ambry Variant Classification Scheme 2023. Collection method: clinical testing. Allele origin: germline.
Comment: The c.5389_5393dupATCTC variant, located in coding exon 41 of the TSC2 gene, results from a duplication of ATCTC at nucleotide position 5389, causing a translational frameshift with a predicted alternate stop codon (p.V1800Pfs*28). This variant occurs at the 3' terminus of the gene, is not expected to trigger nonsense-mediated mRNAdecay and results in the elongation of the protein by 19 amino acids. This frameshift impacts the last 8amino acids of the native protein. The exact functional effect of the altered amino acids is unknown. Based on the available evidence, the clinical significance of this variant remains unclear.